The following is an entry in ClinVar:

ClinVar aggregate classification (germline): Uncertain significance (1 of 4 stars; one submission).

Conditions:
Inborn genetic diseases. Identifiers: MedGen C0950123, MeSH D030342.

gnomAD v4.1: 6 of 1,612,458 alleles (0.00037%); highest among the groups gnomAD compares: South Asian, 0.0066%; no homozygotes.

Submission:

Ambry Genetics
Classification: Uncertain significance for Inborn genetic diseases. Last evaluated: 2021-08-22. Review status: criteria provided, single submitter. Criteria: Ambry Variant Classification Scheme 2023. Collection method: clinical testing. Allele origin: germline.
Comment: The p.A1086S variant (also known as c.3256G>T), located in coding exon 31 of the RTEL1 gene, results from a G to T substitution at nucleotide position 3256. The alanine at codon 1086 is replaced by serine, an amino acid with similar properties. This amino acid position is conserved. In addition, this alteration is predicted to be tolerated by in silico analysis. Since supporting evidence is limited at this time, the clinical significance of this alteration remains unclear.

NM_001283009.2(RTEL1):c.3184G>T (p.Ala1062Ser)

Genes: RTEL1 (regulator of telomere elongation helicase 1; plus strand), RTEL1-TNFRSF6B (RTEL1-TNFRSF6B readthrough (NMD candidate); plus strand). Cytogenetic location: 20q13.33.
Variant type: single nucleotide variant.
Coding change: c.3184G>T on transcript NM_001283009.2 (MANE Select); coding-DNA position 3184, G replaced by T.
Protein change: p.Ala1062Ser; replaces alanine 1062 with serine.
Molecular consequence: missense variant. On other transcripts: non-coding transcript variant (1).
Genome position (GRCh38, 1-based): chr20:63,694,815, G>T. VCF-style: chr20-63694815-G-T. GRCh37 (hg19) VCF-style: chr20-62326168-G-T.
Other names: c.2515G>T, p.Ala839Ser (NM_001283010.1); c.3184G>T, p.Ala1062Ser (NM_016434.4); c.3256G>T, p.Ala1086Ser (NM_032957.5); short protein forms A1086S, A1062S, A839S.
Identifiers: ClinVar variation 1729468 (VCV001729468.2), dbSNP rs773397014, ClinGen allele CA409684924.